The following is an entry in ClinVar:

NM_001365951.3(KIF1B):c.3358C>G (p.Arg1120Gly)

Gene: KIF1B (kinesin family member 1B; plus strand). Cytogenetic location: 1p36.22.
Variant type: single nucleotide variant.
Coding change: c.3358C>G on transcript NM_001365951.3 (MANE Select); coding-DNA position 3358, C replaced by G.
Protein change: p.Arg1120Gly; replaces arginine 1120 with glycine.
Molecular consequence: missense variant.
Genome position (GRCh38, 1-based): chr1:10,337,469, C>G. VCF-style: chr1-10337469-C-G. GRCh37 (hg19) VCF-style: chr1-10397527-C-G.
Other names: c.3358C>G, p.Arg1120Gly (NM_001365952.1); c.3220C>G, p.Arg1074Gly (NM_015074.3); short protein forms R1074G, R1120G.
Identifiers: ClinVar variation 4092381 (VCV004092381.1).
Genomic context (GRCh38, chr1:10,337,469, plus strand): 5'-ATGGAAGGGTTTTCTGAAGAGATTGGCAACCACCTGAAACTGGGCAGTGCCTTCACTTTC[C>G]GAGTAACAGTGTTGCAGGCCAGTGGAATCCTCCCAGAGTATGCAGATATCTTCTGTCAGT-3'
Protein context (NP_001352880.1, residues 1110-1130): HLKLGSAFTF[Arg1120Gly]VTVLQASGIL

ClinVar aggregate classification (germline): Uncertain significance (1 of 4 stars; one submission).

gnomAD v4.1: 1 of 1,614,158 alleles (0.000062%); highest among the groups gnomAD compares: Non-Finnish European, 0.000085%; no homozygotes.

Submission:

Ambry Genetics
Classification: Uncertain significance. Last evaluated: 2025-08-21. Review status: criteria provided, single submitter. Criteria: Ambry Variant Classification Scheme 2023. Collection method: clinical testing. Allele origin: germline.
Comment: The p.R1074G variant (also known as c.3220C>G), located in coding exon 28 of the KIF1B gene, results from a C to G substitution at nucleotide position 3220. The arginine at codon 1074 is replaced by glycine, an amino acid with dissimilar properties. This amino acid position is conserved. In addition, this alteration is predicted to be deleterious by in silico analysis. Based on the available evidence, the clinical significance of this variant remains unclear.